The following is an entry in ClinVar:

NM_000040.3(APOC3):c.206C>T (p.Ser69Phe)

Gene: APOC3 (apolipoprotein C3; plus strand). Cytogenetic location: 11q23.3.
Variant type: single nucleotide variant.
Coding change: c.206C>T on transcript NM_000040.3 (MANE Select); coding-DNA position 206, C replaced by T.
Protein change: p.Ser69Phe; replaces serine 69 with phenylalanine.
Molecular consequence: missense variant.
Genome position (GRCh38, 1-based): chr11:116,832,790, C>T. VCF-style: chr11-116832790-C-T. GRCh37 (hg19) VCF-style: chr11-116703506-C-T.
Other names: short protein forms S69F.
Identifiers: ClinVar variation 4530831 (VCV004530831.1).

ClinVar aggregate classification (germline): Uncertain significance (1 of 4 stars; one submission).

Submission:

GeneDx
Classification: Uncertain significance. Last evaluated: 2025-05-20. Review status: criteria provided, single submitter. Criteria: GeneDx Variant Classification Process June 2021. Collection method: clinical testing. Allele origin: germline. Affected: yes.
Comment: Reported in one study looking at pathogenic variants and polygenic risk scores associated with hypertriglyceridemia; however, detailed clinical information was not provided (PMID: 36325899); In silico analysis supports that this missense variant has a deleterious effect on protein structure/function; This variant is associated with the following publications: (PMID: 36325899)